The following is an entry in ClinVar:

ClinVar aggregate classification (germline): Pathogenic (1 of 4 stars; one submission).

Conditions:
Neurofibromatosis, type 1 (NF1). Also called: VON RECKLINGHAUSEN DISEASE; NEUROFIBROMATOSIS, TYPE I, SOMATIC; Peripheral type neurofibromatosis; Neurofibromatosis, type I. Identifiers: Orphanet 636, MedGen C0027831, MONDO:0018975, OMIM 162200. Disease mechanism: loss of function.

Submission:

Labcorp Genetics (formerly Invitae), Labcorp
Classification: Pathogenic for Neurofibromatosis, type 1. Last evaluated: 2024-12-15. Review status: criteria provided, single submitter. Criteria: Invitae Variant Classification Sherloc (09022015). Collection method: clinical testing. Allele origin: germline.
Comment: This sequence change creates a premature translational stop signal (p.Val921Glyfs*3) in the NF1 gene. It is expected to result in an absent or disrupted protein product. Loss-of-function variants in NF1 are known to be pathogenic (PMID: 10712197, 23913538). This variant is not present in population databases (gnomAD no frequency). This variant has not been reported in the literature in individuals affected with NF1-related conditions. ClinVar contains an entry for this variant (Variation ID: 2756033). Algorithms developed to predict the effect of sequence changes on RNA splicing suggest that this variant may disrupt the consensus splice site. For these reasons, this variant has been classified as Pathogenic.

Literature cited by the submitters: PubMed 10712197; PubMed 23913538.

NM_001042492.3(NF1):c.2762del (p.Val921fs)

Gene: NF1 (neurofibromin 1; plus strand). Cytogenetic location: 17q11.2.
Variant type: Deletion.
Coding change: c.2762del on transcript NM_001042492.3 (MANE Select); coding-DNA position 2762, one base deleted (T; older notation c.2762delT).
Protein change: p.Val921fs; shifts the reading frame from valine 921.
Molecular consequence: frameshift variant.
Genome position (GRCh38, 1-based): chr17:31,229,377, T deleted. VCF-style (leftmost placement, unchanged base first): chr17-31229376-GT-G. GRCh37 (hg19) VCF-style: chr17-29556394-GT-G.
Other names: c.2762delT, p.Val921Glyfs (NM_000267.4); short protein forms V921fs.
Identifiers: ClinVar variation 2756033 (VCV002756033.3), dbSNP rs2508188193, ClinGen allele CA2697559732.
Genomic context (GRCh38, chr17:31,229,376, plus strand): 5'-TTAATGGTGTGTAACCATGAGAAAGTGGGACTTCAAATACGGACCAATGTTAAGGATCTG[GT>G]GGGTCTAGAATTGAGTCCTGCTCTGTATCCAATGCTATTTAACAAATTGAAGAATACCAT-3'